The following is an entry in ClinVar:

ClinVar aggregate classification (germline): Likely benign (0 of 4 stars; one submission).

Conditions:
EPPK1-related disorder. Also called: EPPK1-related condition.

Allele frequency attached by ClinVar (database versions not stated): ExAC 0.00001; gnomAD 0.00001.

Submission:

PreventionGenetics, part of Exact Sciences
Classification: Likely benign for EPPK1-related condition. Last evaluated: 2021-10-18. Review status: no assertion criteria provided. Collection method: clinical testing. Allele origin: germline.
Comment: This variant is classified as likely benign based on ACMG/AMP sequence variant interpretation guidelines (Richards et al. 2015 PMID: 25741868, with internal and published modifications).

NM_031308.4(EPPK1):c.4917C>T (p.Tyr1639=)

Gene: EPPK1 (epiplakin 1; minus strand). Cytogenetic location: 8q24.3.
Variant type: single nucleotide variant.
Coding change: c.4917C>T on transcript NM_031308.4 (MANE Select); coding-DNA position 4917, C replaced by T.
Protein change: p.Tyr1639=; no amino-acid change (tyrosine 1639 retained).
Molecular consequence: synonymous variant.
Genome position (GRCh38, 1-based): chr8:143,868,337, G>A on the plus strand (C>T on the coding strand, the complement: EPPK1 is on the minus strand). VCF-style: chr8-143868337-G-A. GRCh37 (hg19) VCF-style: chr8-144942505-G-A.
Identifiers: ClinVar variation 3059774 (VCV003059774.2), dbSNP rs782033744, ClinGen allele CA4922338.